The following is an entry in ClinVar:

NM_001256071.3(RNF213):c.9183G>A (p.Glu3061=)

Gene: RNF213 (ring finger protein 213; plus strand). Cytogenetic location: 17q25.3.
Variant type: single nucleotide variant.
Coding change: c.9183G>A on transcript NM_001256071.3 (MANE Select); coding-DNA position 9183, G replaced by A.
Protein change: p.Glu3061=; no amino-acid change (glutamic acid 3061 retained).
Molecular consequence: synonymous variant.
Genome position (GRCh38, 1-based): chr17:80,347,518, G>A. VCF-style: chr17-80347518-G-A. GRCh37 (hg19) VCF-style: chr17-78321318-G-A.
Other names: c.9330G>A, p.Glu3110= (NM_001410195.1, NM_020914.5).
Identifiers: ClinVar variation 2648422 (VCV002648422.24), dbSNP rs2511388982, ClinGen allele CA502407434.

ClinVar aggregate classification (germline): Likely benign (1 of 4 stars; one submission).

Allele frequency attached by ClinVar (database versions not stated): gnomAD exomes below 0.00001.
gnomAD v4.1: 1 of 1,614,102 alleles (0.000062%); highest among the groups gnomAD compares: Non-Finnish European, 0.000085%; no homozygotes.

Submission:

CeGaT Center for Human Genetics Tuebingen
Classification: Likely benign. Last evaluated: 2022-12-01. Review status: criteria provided, single submitter. Criteria: CeGaT Center For Human Genetics Tuebingen Variant Classification Criteria Version 2. Collection method: clinical testing. Allele origin: germline. Affected: yes. Observed: 1 variant allele.
Comment: RNF213: PM2:Supporting, BP4, BP7